The following is an entry in ClinVar:

ClinVar aggregate classification (germline): Benign/Likely benign. Review status: criteria provided, multiple submitters, no conflicts (2 of 4 stars). 4 submissions from 4 submitters: Benign (1); Likely benign (3). Last evaluated 2025-11-24.

Conditions:
Lynch syndrome 4 (LYNCH4). Also called: Colorectal cancer, hereditary nonpolyposis, type 4; Hereditary non-polyposis colorectal cancer, type 4. Identifiers: Orphanet 144, MedGen C1838333, MONDO:0013699, OMIM 614337. Disease mechanism: loss of function.
Hereditary cancer-predisposing syndrome. Also called: Neoplastic Syndromes, Hereditary; Tumor predisposition; Hereditary neoplastic syndrome; Hereditary Cancer Syndrome. Identifiers: Orphanet 140162, MedGen C0027672, MeSH D009386, MONDO:0015356.
Hereditary nonpolyposis colorectal neoplasms. Identifiers: MedGen C0009405, MeSH D003123.

Submissions (4):

Labcorp Genetics (formerly Invitae), Labcorp
Classification: Likely benign for Hereditary nonpolyposis colorectal neoplasms. Last evaluated: 2025-11-24. Review status: criteria provided, single submitter. Criteria: Invitae Variant Classification Sherloc (09022015). Collection method: clinical testing. Allele origin: germline.

Myriad Genetics, Inc.
Classification: Benign for Lynch syndrome 4. Last evaluated: 2025-01-27. Review status: criteria provided, single submitter. Criteria: Myriad Autosomal Dominant, Autosomal Recessive and X-Linked Classification Criteria (2023). Collection method: clinical testing. Allele origin: unknown.
Comment: This variant is considered benign. This variant is a silent/synonymous amino acid change and it is not expected to impact splicing.

Ambry Genetics
Classification: Likely benign for Hereditary cancer-predisposing syndrome. Last evaluated: 2024-06-25. Review status: criteria provided, single submitter. Criteria: Ambry Variant Classification Scheme 2023. Collection method: clinical testing. Allele origin: germline.

Color Diagnostics, LLC DBA Color Health
Classification: Likely benign for Hereditary cancer-predisposing syndrome. Last evaluated: 2019-05-31. Review status: criteria provided, single submitter. Criteria: ACMG Guidelines, 2015. Collection method: clinical testing. Allele origin: germline.

NM_000535.7(PMS2):c.633A>T (p.Arg211=)

Gene: PMS2 (PMS1 homolog 2, mismatch repair system component; minus strand). Cytogenetic location: 7p22.1.
Variant type: single nucleotide variant.
Coding change: c.633A>T on transcript NM_000535.7 (MANE Select); coding-DNA position 633, A replaced by T.
Protein change: p.Arg211=; no amino-acid change (arginine 211 retained).
Molecular consequence: synonymous variant. On other transcripts: 5 prime UTR variant (2), non-coding transcript variant (1), intron variant (1).
Genome position (GRCh38, 1-based): chr7:5,999,180, T>A on the plus strand (A>T on the coding strand, the complement: PMS2 is on the minus strand). VCF-style: chr7-5999180-T-A. GRCh37 (hg19) VCF-style: chr7-6038811-T-A.
Other names: c.228A>T, p.Arg76= (NM_001322003.2, NM_001322004.2, NM_001322005.2 and 2 more transcripts); c.633A>T, p.Arg211= (NM_001322006.2, NM_001322014.2); c.315A>T, p.Arg105= (NM_001322007.2, NM_001322008.2); c.-301A>T (NM_001322011.2, NM_001322012.2); c.324A>T, p.Arg108= (NM_001322015.2); c.133-1757A>T (NM_001322013.2).
Identifiers: ClinVar variation 579023 (VCV000579023.13), dbSNP rs1562678272, ClinGen allele CA453646950.